The following is an entry in ClinVar:

ClinVar aggregate classification (germline): Likely benign (0 of 4 stars; one submission).

Conditions:
PLXNA4-related disorder. Also called: PLXNA4-related condition.

gnomAD v4.1: 10 of 1,614,212 alleles (0.00062%); highest among the groups gnomAD compares: East Asian, 0.0022%; no homozygotes.

Submission:

PreventionGenetics, part of Exact Sciences
Classification: Likely benign for PLXNA4-related condition. Last evaluated: 2024-06-26. Review status: no assertion criteria provided. Collection method: clinical testing. Allele origin: germline.
Comment: This variant is classified as likely benign based on ACMG/AMP sequence variant interpretation guidelines (Richards et al. 2015 PMID: 25741868, with internal and published modifications).

NM_020911.2(PLXNA4):c.5484C>T (p.Asp1828=)

Gene: PLXNA4 (plexin A4; minus strand). Cytogenetic location: 7q32.3.
Variant type: single nucleotide variant.
Coding change: c.5484C>T on transcript NM_020911.2 (MANE Select); coding-DNA position 5484, C replaced by T.
Protein change: p.Asp1828=; no amino-acid change (aspartic acid 1828 retained).
Molecular consequence: synonymous variant.
Genome position (GRCh38, 1-based): chr7:132,133,154, G>A on the plus strand (C>T on the coding strand, the complement: PLXNA4 is on the minus strand). VCF-style: chr7-132133154-G-A. GRCh37 (hg19) VCF-style: chr7-131817913-G-A.
Other names: c.5484C>T, p.Asp1828= (NM_001393897.1).
Identifiers: ClinVar variation 3353841 (VCV003353841.1).